The following is an entry in ClinVar:

NM_003620.4(PPM1D):c.1668T>G (p.Ser556Arg)

Gene: PPM1D (protein phosphatase, Mg2+/Mn2+ dependent 1D; plus strand). Cytogenetic location: 17q23.2.
Variant type: single nucleotide variant.
Coding change: c.1668T>G on transcript NM_003620.4 (MANE Select); coding-DNA position 1668, T replaced by G.
Protein change: p.Ser556Arg; replaces serine 556 with arginine.
Molecular consequence: missense variant.
Genome position (GRCh38, 1-based): chr17:60,663,402, T>G. VCF-style: chr17-60663402-T-G. GRCh37 (hg19) VCF-style: chr17-58740763-T-G.
Other names: short protein forms S556R.
Identifiers: ClinVar variation 4538397 (VCV004538397.1).
Genomic context (GRCh38, chr17:60,663,402, plus strand): 5'-GACATTAGAAGAGTCCAATTCTGGCCCCCTGATGAAGAAGCATAGACGAAATGGCTTAAG[T>G]CGAAGTAGTGGTGCTCAGCCTGCAAGTCTCCCCACAACCTCACAGCGAAAGAACTCTGTT-3'
Protein context (NP_003611.1, residues 546-566): LMKKHRRNGL[Ser556Arg]RSSGAQPASL

ClinVar aggregate classification (germline): Uncertain significance (1 of 4 stars; one submission).

Submission:

Greenwood Genetic Center Diagnostic Laboratories, Greenwood Genetic Center
Classification: Uncertain significance. Last evaluated: 2025-04-28. Review status: criteria provided, single submitter. Criteria: ACMG Guidelines, 2015. Collection method: clinical testing. Allele origin: germline. Affected: yes.
Comment: PM2, BP4